The following is an entry in ClinVar:

NM_003128.3(SPTBN1):c.4997+1G>A

Gene: SPTBN1 (spectrin beta, non-erythrocytic 1; plus strand). Cytogenetic location: 2p16.2.
Variant type: single nucleotide variant.
Coding change: c.4997+1G>A on transcript NM_003128.3 (MANE Select); the canonical splice donor site of the intron after coding-DNA position 4997, G replaced by A.
Molecular consequence: splice donor variant.
Genome position (GRCh38, 1-based): chr2:54,647,262, G>A. VCF-style: chr2-54647262-G-A. GRCh37 (hg19) VCF-style: chr2-54874399-G-A.
Other names: c.4958+1G>A (NM_178313.3).
Identifiers: ClinVar variation 4845605 (VCV004845605.1).
Genomic context (GRCh38, chr2:54,647,262, plus strand): 5'-GACCGTGCATCAGCTCTCCAAGACCAGCCGGGCCCTGGTGGCCGACAGCCATCCTGAAAG[G>A]TGAGCGCTGCTTCATGAGTGTGAGACCCGGCTCTCGATTCCTCTCAGTTAGGGTCTCTTG-3'

ClinVar aggregate classification (germline): Pathogenic (1 of 4 stars; one submission).

Conditions:
Developmental delay, impaired speech, and behavioral abnormalities. Identifiers: MedGen C5561957, MONDO:0859178, OMIM 619475.

Submission:

Greenwood Genetic Center Diagnostic Laboratories, Greenwood Genetic Center
Classification: Pathogenic for Developmental delay, impaired speech, and behavioral abnormalities. Last evaluated: 2025-10-28. Review status: criteria provided, single submitter. Criteria: ACMG Guidelines, 2015. Collection method: clinical testing. Allele origin: germline. Affected: yes.
Comment: PVS1, PS2, PM2